The following is an entry in ClinVar:

NM_001127644.2(GABRA1):c.383_384delinsAA (p.Phe128Ter)

Gene: GABRA1 (gamma-aminobutyric acid type A receptor subunit alpha1; plus strand). Cytogenetic location: 5q34.
Variant type: Indel.
Coding change: c.383_384delinsAA on transcript NM_001127644.2 (MANE Select); coding-DNA positions 383 to 384, TC replaced by AA.
Protein change: p.Phe128Ter; replaces phenylalanine 128 with a stop codon.
Molecular consequence: nonsense.
Genome position (GRCh38, 1-based): chr5:161,873,244-161,873,245, TC replaced by AA. VCF-style: chr5-161873244-TC-AA. GRCh37 (hg19) VCF-style: chr5-161300250-TC-AA.
Other names: c.383_384delinsAA, p.Phe128Ter (NM_000806.5, NM_001127643.2, NM_001127645.2 and 1 more transcripts); short protein forms F128*.
Identifiers: ClinVar variation 4823829 (VCV004823829.4).

ClinVar aggregate classification (germline): Pathogenic (1 of 4 stars; one submission).

Submission:

CeGaT Center for Human Genetics Tuebingen
Classification: Pathogenic. Last evaluated: 2026-01-01. Review status: criteria provided, single submitter. Criteria: CeGaT Center For Human Genetics Tuebingen Variant Classification Criteria Version 2. Collection method: clinical testing. Allele origin: germline. Affected: yes. Observed: 1 variant allele.
Comment: GABRA1: PVS1, PM2